The following is an entry in ClinVar:

ClinVar aggregate classification (germline): Likely benign (1 of 4 stars; one submission).

Allele frequency attached by ClinVar (database versions not stated): TOPMed 0.00017; ESP Exome Variant Server 0.00008; gnomAD exomes 0.00017; gnomAD 0.00020; ExAC 0.00011.
gnomAD v4.1: 273 of 1,614,036 alleles (0.017%); highest among the groups gnomAD compares: Non-Finnish European, 0.021%; no homozygotes.

Submission:

CeGaT Center for Human Genetics Tuebingen
Classification: Likely benign. Last evaluated: 2022-04-01. Review status: criteria provided, single submitter. Criteria: CeGaT Center For Human Genetics Tuebingen Variant Classification Criteria Version 2. Collection method: clinical testing. Allele origin: germline. Affected: yes. Observed: 1 variant allele.
Comment: PSMC2: BP4, BP7

NM_002803.4(PSMC2):c.1192A>C (p.Arg398=)

Genes: PSMC2 (proteasome 26S subunit, ATPase 2; plus strand), SLC26A5 (solute carrier family 26 member 5; minus strand). Cytogenetic location: 7q22.1.
Variant type: single nucleotide variant.
Coding change: c.1192A>C on transcript NM_002803.4 (MANE Select); coding-DNA position 1192, A replaced by C.
Protein change: p.Arg398=; no amino-acid change (arginine 398 retained).
Molecular consequence: synonymous variant. On other transcripts: intron variant (4).
Genome position (GRCh38, 1-based): chr7:103,367,944, A>C. VCF-style: chr7-103367944-A-C. GRCh37 (hg19) VCF-style: chr7-103008391-A-C.
Other names: c.972-15018T>G (NM_206885.3); c.1945+8864T>G (NM_001321787.2); c.1515-15018T>G (NM_206884.3); c.2041+8864T>G (NM_206883.3).
Identifiers: ClinVar variation 2657888 (VCV002657888.22), dbSNP rs373150287, ClinGen allele CA4419213.